The following is an entry in ClinVar:

ClinVar aggregate classification (germline): Uncertain significance (1 of 4 stars; one submission).

Conditions:
Primary ciliary dyskinesia. Also called: Ciliary dyskinesia. Identifiers: Orphanet 244, MedGen C0008780, MONDO:0016575, HP:0012265.

Submission:

Labcorp Genetics (formerly Invitae), Labcorp
Classification: Uncertain significance for Primary ciliary dyskinesia. Last evaluated: 2026-01-11. Review status: criteria provided, single submitter. Criteria: Invitae Variant Classification Sherloc (09022015). Collection method: clinical testing. Allele origin: germline.
Comment: This sequence change replaces isoleucine, which is neutral and non-polar, with asparagine, which is neutral and polar, at codon 2874 of the DNAH8 protein (p.Ile2874Asn). This variant is not present in population databases (gnomAD no frequency). This variant has not been reported in the literature in individuals affected with DNAH8-related conditions. ClinVar contains an entry for this variant (Variation ID: 525388). Invitae Evidence Modeling of protein sequence and biophysical properties (such as structural, functional, and spatial information, amino acid conservation, physicochemical variation, residue mobility, and thermodynamic stability) indicates that this missense variant is not expected to disrupt DNAH8 protein function with a negative predictive value of 80%. In summary, the available evidence is currently insufficient to determine the role of this variant in disease. Therefore, it has been classified as a Variant of Uncertain Significance.

NM_001206927.2(DNAH8):c.8621T>A (p.Ile2874Asn)

Gene: DNAH8 (dynein axonemal heavy chain 8; plus strand). Cytogenetic location: 6p21.2.
Variant type: single nucleotide variant.
Coding change: c.8621T>A on transcript NM_001206927.2 (MANE Select); coding-DNA position 8621, T replaced by A.
Protein change: p.Ile2874Asn; replaces isoleucine 2874 with asparagine.
Molecular consequence: missense variant.
Genome position (GRCh38, 1-based): chr6:38,894,738, T>A. VCF-style: chr6-38894738-T-A. GRCh37 (hg19) VCF-style: chr6-38862514-T-A.
Other names: c.7970T>A, p.Ile2657Asn (NM_001371.4); short protein forms I2874N, I2657N.
Identifiers: ClinVar variation 525388 (VCV000525388.9), dbSNP rs1554129791, ClinGen allele CA363996974.
Genomic context (GRCh38, chr6:38,894,738, plus strand): 5'-GTATTACATTTTTTCATCTCTAGGTGAAGATGCTGCCAACTCCTTCTAAATTTCATTACA[T>A]CTTCAATCTTCGAGATCTTTCCAGAATTTGGCAAGGAATGTTGACCATAAAAGCTGAGGA-3'
Protein context (NP_001193856.1, residues 2864-2884): MLPTPSKFHY[Ile2874Asn]FNLRDLSRIW